The following is an entry in ClinVar:

NM_000183.3(HADHB):c.*486G>A

Gene: HADHB (hydroxyacyl-CoA dehydrogenase trifunctional multienzyme complex subunit beta; plus strand). Cytogenetic location: 2p23.3.
Variant type: single nucleotide variant.
Coding change: c.*486G>A on transcript NM_000183.3 (MANE Select); 486 bases downstream of the stop codon, G replaced by A.
Molecular consequence: 3 prime UTR variant.
Genome position (GRCh38, 1-based): chr2:26,290,439, G>A. VCF-style: chr2-26290439-G-A. GRCh37 (hg19) VCF-style: chr2-26513307-G-A.
Other names: c.*486G>A (NM_001281512.2, NM_001281513.2).
Identifiers: ClinVar variation 335417 (VCV000335417.6), dbSNP rs7601689, ClinGen allele CA10613000.

ClinVar aggregate classification (germline): Benign. Review status: criteria provided, multiple submitters, no conflicts (2 of 4 stars). 2 submissions from 2 submitters: Benign (2). Last evaluated 2018-01-13.

Conditions:
Mitochondrial trifunctional protein deficiency. Identifiers: Orphanet 746, MedGen C1969443, MONDO:0012172.

Allele frequency attached by ClinVar (database versions not stated): gnomAD exomes 0.00448; gnomAD 0.04636 and 0.04939; TOPMed 0.05324; 1000 Genomes Project 0.05371; 1000 Genomes Project 30x 0.05590.
gnomAD v4.1: 7,084 of 174,680 alleles (4.1%); highest among the groups gnomAD compares: African/African-American, 16%; 510 homozygotes.

Submissions (2):

Illumina Laboratory Services, Illumina
Classification: Benign for Mitochondrial trifunctional protein deficiency 1. Last evaluated: 2018-01-13. Review status: criteria provided, single submitter. Criteria: ICSL Variant Classification Criteria 13 December 2019. Collection method: clinical testing. Allele origin: germline.
Comment: This variant was observed in the ICSL laboratory as part of a predisposition screen in an ostensibly healthy population. It had not been previously curated by ICSL or reported in the Human Gene Mutation Database (HGMD: prior to June 1st, 2018), and was therefore a candidate for classification through an automated scoring system. Utilizing variant allele frequency, disease prevalence and penetrance estimates, and inheritance mode, an automated score was calculated to assess if this variant is too frequent to cause the disease. Based on the score and internal cut-off values, a variant classified as benign is not then subjected to further curation. The score for this variant resulted in a classification of benign for this disease.

Breakthrough Genomics
Classification: Benign. Review status: criteria provided, single submitter. Criteria: ACMG Guidelines, 2015. Collection method: not provided. Allele origin: germline. Inheritance: Autosomal recessive inheritance. Affected: yes.